The following is an entry in ClinVar:

NM_006904.7(PRKDC):c.3946G>A (p.Gly1316Arg)

Gene: PRKDC (protein kinase, DNA-activated, catalytic subunit; minus strand). Cytogenetic location: 8q11.21.
Variant type: single nucleotide variant.
Coding change: c.3946G>A on transcript NM_006904.7 (MANE Select); coding-DNA position 3946, G replaced by A.
Protein change: p.Gly1316Arg; replaces glycine 1316 with arginine.
Molecular consequence: missense variant.
Genome position (GRCh38, 1-based): chr8:47,890,382, C>T on the plus strand (G>A on the coding strand, the complement: PRKDC is on the minus strand). VCF-style: chr8-47890382-C-T. GRCh37 (hg19) VCF-style: chr8-48802943-C-T.
Other names: c.3946G>A, p.Gly1316Arg (NM_001081640.2); short protein forms G1316R.
Identifiers: ClinVar variation 2624566 (VCV002624566.2), dbSNP rs2551873957, ClinGen allele CA371148765.
Genomic context (GRCh38, chr8:47,890,382, plus strand): 5'-TGCATTTGCTGTAGTTGTACCTTTCTCCCTCTTGTGGGCTTGTTCTGTTACCTGCTGCCC[C>T]AGTGCCAAAGCACTTTTCTGCTGCTATAATGTCATGCATGGCAATGCTTTCTAAGAAGAA-3'
Protein context (NP_008835.5, residues 1306-1326): IIAAEKCFGT[Gly1316Arg]AAGNRTSPQE

ClinVar aggregate classification (germline): Uncertain significance (1 of 4 stars; one submission).

Submission:

Ambry Genetics
Classification: Uncertain significance. Last evaluated: 2023-08-04. Review status: criteria provided, single submitter. Criteria: Ambry Variant Classification Scheme 2023. Collection method: clinical testing. Allele origin: germline.
Comment: The p.G1316R variant (also known as c.3946G>A), located in coding exon 32 of the PRKDC gene, results from a G to A substitution at nucleotide position 3946. The glycine at codon 1316 is replaced by arginine, an amino acid with dissimilar properties. This amino acid position is conserved. In addition, this alteration is predicted to be tolerated by in silico analysis. Since supporting evidence is limited at this time, the clinical significance of this alteration remains unclear.